The following is an entry in ClinVar:

ClinVar aggregate classification (germline): Pathogenic (1 of 4 stars; one submission).

Conditions:
Congenital hyperammonemia, type I. Also called: CPS I DEFICIENCY; Carbamoyl phosphate synthetase 1 deficiency; Hyperammonemia due to carbamoyl phosphate synthetase 1 deficiency; CPS 1 deficiency; Carbamyl phosphate synthetase (CPS) deficiency; Carbamoyl phosphate synthetase I deficiency disease. Identifiers: Orphanet 147, MedGen C4082171, MONDO:0009376, OMIM 237300.

Submission:

Myriad Genetics, Inc.
Classification: Pathogenic for Congenital hyperammonemia, type I. Last evaluated: 2024-08-09. Review status: criteria provided, single submitter. Criteria: Myriad Autosomal Dominant, Autosomal Recessive and X-Linked Classification Criteria (2023). Collection method: clinical testing. Allele origin: unknown.
Comment: NM_001875.4(CPS1):c.3556delA(R1186Gfs*23) is expected to be pathogenic in the context of carbamoylphosphate synthetase I deficiency. This variant is predicted to lead to an abnormal or absent protein product due to the creation of a premature termination codon in CPS1, a gene where loss-of-function variants are known to be pathogenic. Please note: this variant was assessed in the context of healthy population screening.

NM_001875.5(CPS1):c.3556del (p.Arg1186fs)

Gene: CPS1 (carbamoyl-phosphate synthase 1; plus strand). Cytogenetic location: 2q34.
Variant type: Deletion.
Coding change: c.3556del on transcript NM_001875.5 (MANE Select); coding-DNA position 3556, one base deleted (A; older notation c.3556delA).
Protein change: p.Arg1186fs; shifts the reading frame from arginine 1186.
Molecular consequence: frameshift variant. On other transcripts: non-coding transcript variant (2).
Genome position (GRCh38, 1-based): chr2:210,654,100, A deleted; the last of 2 consecutive A bases (chr2:210,654,099-210,654,100); deleting either gives the same sequence. VCF-style (leftmost placement, unchanged base first): chr2-210654098-GA-G. GRCh37 (hg19) VCF-style: chr2-211518822-GA-G.
Other names: c.3556del, p.Arg1186fs (NM_001122633.3, NM_001369257.1); c.3589del, p.Arg1197fs (NM_001369256.1); short protein forms R1186fs, R1197fs.
Identifiers: ClinVar variation 5013433 (VCV005013433.1).